The following is an entry in ClinVar:

ClinVar aggregate classification (germline): Uncertain significance (1 of 4 stars; one submission).

Conditions:
F7-related disorder. Also called: F7-related condition.

Submission:

PreventionGenetics, part of Exact Sciences
Classification: Uncertain significance for F7-related condition. Last evaluated: 2025-03-31. Review status: criteria provided, single submitter. Criteria: ACMG Guidelines, 2015. Collection method: clinical testing. Allele origin: germline.
Comment: The F7 c.1294G>A variant is predicted to result in the amino acid substitution p.Gly432Ser. This variant, which is alternatively referred to as p.Gly372Ser using legacy nomenclature, has been reported in the heterozygous state in an individual with Factor VII deficiency; functional study indicated that the critical role of residue Gly432 in the binding between activated factor VII (factor VIIa) and tissue factor (Lou et al. 2023. PubMed ID: 36951360). A different missense variant at the same codon (p.Gly432Asp) has been reported in a cohort study with Factor VII deficiency (Herrmann. 2009. PubMed ID: 18976247). This variant has not been reported in a large population database (gnomAD), indicating this variant is rare. At this time, the clinical significance of this variant is uncertain due to the absence of conclusive functional and genetic evidence.

NM_019616.4(F7):c.1228G>A (p.Gly410Ser)

Gene: F7 (coagulation factor VII; plus strand). Cytogenetic location: 13q34.
Variant type: single nucleotide variant.
Coding change: c.1228G>A on transcript NM_019616.4 (MANE Select); coding-DNA position 1228, G replaced by A.
Protein change: p.Gly410Ser; replaces glycine 410 with serine.
Molecular consequence: missense variant. On other transcripts: non-coding transcript variant (1).
Genome position (GRCh38, 1-based): chr13:113,118,901, G>A. VCF-style: chr13-113118901-G-A. GRCh37 (hg19) VCF-style: chr13-113773215-G-A.
Other names: c.1294G>A, p.Gly432Ser (NM_000131.5); c.1042G>A, p.Gly348Ser (NM_001267554.2); short protein forms G348S, G432S, G410S.
Identifiers: ClinVar variation 4983204 (VCV004983204.1).